The following is an entry in ClinVar:

NM_001458.5(FLNC):c.5464A>T (p.Ile1822Phe)

Genes: FLNC-AS1 (FLNC antisense RNA 1; minus strand), FLNC (filamin C; plus strand). Cytogenetic location: 7q32.1.
Variant type: single nucleotide variant.
Coding change: c.5464A>T on transcript NM_001458.5 (MANE Select); coding-DNA position 5464, A replaced by T.
Protein change: p.Ile1822Phe; replaces isoleucine 1822 with phenylalanine.
Molecular consequence: missense variant.
Genome position (GRCh38, 1-based): chr7:128,850,868, A>T. VCF-style: chr7-128850868-A-T. GRCh37 (hg19) VCF-style: chr7-128490922-A-T.
Other names: c.5365A>T, p.Ile1789Phe (NM_001127487.2); short protein forms I1822F, I1789F.
Identifiers: ClinVar variation 2928179 (VCV002928179.3), dbSNP rs988505839, ClinGen allele CA166188166.
Genomic context (GRCh38, chr7:128,850,868, plus strand): 5'-GTGCGGATGCCCTCGGGGAAGACGGCACGGCCCAACATCACCGACAACAAGGACGGCACC[A>T]TCACGGTGAGGTATGCACCCACTGAGAAAGGCCTGCACCAGATGGGGATCAAGTATGACG-3'
Protein context (NP_001449.3, residues 1812-1832): PNITDNKDGT[Ile1822Phe]TVRYAPTEKG

ClinVar aggregate classification (germline): Uncertain significance (1 of 4 stars; one submission).

Conditions:
Myofibrillar myopathy 5. Also called: Filaminopathy (type); FILAMINOPATHY, AUTOSOMAL DOMINANT. Identifiers: Orphanet 171445, MedGen C1836050, MONDO:0012289, OMIM 609524.
Hypertrophic cardiomyopathy 26. Also called: Cardiomyopathy, familial hypertrophic, 26. Identifiers: Orphanet 75249, MedGen C4310749, MONDO:0014883, OMIM 617047.
Distal myopathy with posterior leg and anterior hand involvement. Also called: WILLIAMS DISTAL MYOPATHY. Identifiers: Orphanet 63273, MedGen C3279722, MONDO:0013550, OMIM 614065.

gnomAD v4.1: 1 of 1,613,440 alleles (0.000062%); highest among the groups gnomAD compares: Non-Finnish European, 0.000085%; no homozygotes.

Submission:

Labcorp Genetics (formerly Invitae), Labcorp
Classification: Uncertain significance for Distal myopathy with posterior leg and anterior hand involvement; Myofibrillar myopathy 5; Hypertrophic cardiomyopathy 26. Last evaluated: 2024-01-11. Review status: criteria provided, single submitter. Criteria: Invitae Variant Classification Sherloc (09022015). Collection method: clinical testing. Allele origin: germline.
Comment: This sequence change replaces isoleucine, which is neutral and non-polar, with phenylalanine, which is neutral and non-polar, at codon 1822 of the FLNC protein (p.Ile1822Phe). This variant is not present in population databases (gnomAD no frequency). This variant has not been reported in the literature in individuals affected with FLNC-related conditions. Advanced modeling of protein sequence and biophysical properties (such as structural, functional, and spatial information, amino acid conservation, physicochemical variation, residue mobility, and thermodynamic stability) has been performed at Invitae for this missense variant, however the output from this modeling did not meet the statistical confidence thresholds required to predict the impact of this variant on FLNC protein function. In summary, the available evidence is currently insufficient to determine the role of this variant in disease. Therefore, it has been classified as a Variant of Uncertain Significance.